The following is an entry in ClinVar:

NM_001122659.3(EDNRB):c.955C>T (p.Arg319Trp)

Genes: EDNRB-AS1 (EDNRB antisense RNA 1; plus strand), EDNRB (endothelin receptor type B; minus strand). Cytogenetic location: 13q22.3.
Variant type: single nucleotide variant.
Coding change: c.955C>T on transcript NM_001122659.3 (MANE Select); coding-DNA position 955, C replaced by T.
Protein change: p.Arg319Trp; replaces arginine 319 with tryptophan.
Molecular consequence: missense variant.
Genome position (GRCh38, 1-based): chr13:77,900,651, G>A on the plus strand (C>T on the coding strand, the complement: EDNRB is on the minus strand). VCF-style: chr13-77900651-G-A. GRCh37 (hg19) VCF-style: chr13-78474786-G-A.
Other names: c.955C>T, p.Arg319Trp (NM_000115.5, NM_003991.4); c.1225C>T, p.Arg409Trp (NM_001201397.2); short protein forms R319W, R409W.
Identifiers: ClinVar variation 3355065 (VCV003355065.2).

ClinVar aggregate classification (germline): Uncertain significance. Review status: criteria provided, single submitter (1 of 4 stars). 2 submissions from 2 submitters: Uncertain significance (1). 1 of the submissions does not count toward it. Last evaluated 2025-09-30.

Conditions:
Monogenic hearing loss.
EDNRB-related disorder. Also called: EDNRB-related disorders; EDNRB-related condition.

gnomAD v4.1: 22 of 1,612,106 alleles (0.0014%); highest among the groups gnomAD compares: East Asian, 0.011%; no homozygotes.

Submissions (2):

Genetics Laboratory, Great Ormond Street Hospital NHS Foundation Trust, North Thames Genomic Laboratory Hub
Classification: Uncertain significance for Monogenic hearing loss. Last evaluated: 2025-09-30. Review status: criteria provided, single submitter. Criteria: ACGS Best Practice Guidelines for Variant Classification in Rare Disease 2024 v1.2. Collection method: clinical testing. Allele origin: germline. Affected: yes.
Comment: PM2_supporting, PP3_supporting, PM3_moderate, PP4_supporting

PreventionGenetics, part of Exact Sciences
Classification: Uncertain significance for EDNRB-related condition. Last evaluated: 2024-09-17. Review status: no assertion criteria provided. Collection method: clinical testing. Allele origin: germline. Not counted in ClinVar's aggregate classification.
Comment: The EDNRB c.955C>T variant is predicted to result in the amino acid substitution p.Arg319Trp. This variant has been reported in the heterozygous state in individual with Hirschsprung disease and was inherited from their unaffected mother (Amiel et al. 1996. PubMed ID: 8852660). It has also been reported in the homozygous state in two individuals with Waardenburg syndrome whose heterozygous carrier parents were unaffected (Morimoto et al. 2017. PubMed ID: 28502583; Minami et al. 2019. PubMed ID: 30978479). Functional studies suggest this variant impacts protein function (Abe et al. 2000. PubMed ID: 10964697; Fuchs et al. 2001. PubMed ID: 11471546). This variant is reported in 0.0040% of alleles in individuals of African descent in gnomAD. Although we suspect that this variant may be pathogenic for autosomal recessive EDNRB-related diseases, at this time, the clinical significance of this variant is uncertain due to the absence of conclusive functional and genetic evidence.